The following is an entry in ClinVar:

NM_001042492.3(NF1):c.7902T>A (p.Phe2634Leu)

Gene: NF1 (neurofibromin 1; plus strand). Cytogenetic location: 17q11.2.
Variant type: single nucleotide variant.
Coding change: c.7902T>A on transcript NM_001042492.3 (MANE Select); coding-DNA position 7902, T replaced by A.
Protein change: p.Phe2634Leu; replaces phenylalanine 2634 with leucine.
Molecular consequence: missense variant.
Genome position (GRCh38, 1-based): chr17:31,357,301, T>A. VCF-style: chr17-31357301-T-A. GRCh37 (hg19) VCF-style: chr17-29684319-T-A.
Other names: c.7839T>A, p.Phe2613Leu (NM_000267.4); short protein forms F2613L, F2634L.
Identifiers: ClinVar variation 1353096 (VCV001353096.8), dbSNP rs2151583253, ClinGen allele CA399203421.

ClinVar aggregate classification (germline): Uncertain significance (1 of 4 stars; one submission).

Conditions:
Neurofibromatosis, type 1 (NF1). Also called: NEUROFIBROMATOSIS, TYPE I, SOMATIC; VON RECKLINGHAUSEN DISEASE; Neurofibromatosis, type I; Peripheral type neurofibromatosis. Identifiers: Orphanet 636, MedGen C0027831, MONDO:0018975, OMIM 162200. Disease mechanism: loss of function.

Submission:

Labcorp Genetics (formerly Invitae), Labcorp
Classification: Uncertain significance for Neurofibromatosis, type 1. Last evaluated: 2021-05-12. Review status: criteria provided, single submitter. Criteria: Invitae Variant Classification Sherloc (09022015). Collection method: clinical testing. Allele origin: germline.
Comment: This variant is not present in population databases (ExAC no frequency). In summary, the available evidence is currently insufficient to determine the role of this variant in disease. Therefore, it has been classified as a Variant of Uncertain Significance. Advanced modeling of protein sequence and biophysical properties (such as structural, functional, and spatial information, amino acid conservation, physicochemical variation, residue mobility, and thermodynamic stability) performed at Invitae indicates that this missense variant is not expected to disrupt NF1 protein function. This variant has not been reported in the literature in individuals with NF1-related conditions. This sequence change replaces phenylalanine with leucine at codon 2613 of the NF1 protein (p.Phe2613Leu). The phenylalanine residue is highly conserved and there is a small physicochemical difference between phenylalanine and leucine.